The following is an entry in ClinVar:

ClinVar aggregate classification (germline): Likely pathogenic (1 of 4 stars; one submission).

Conditions:
HSD17B3-related disorder. Also called: HSD17B3-related condition.

Submission:

PreventionGenetics, part of Exact Sciences
Classification: Likely pathogenic for HSD17B3-related condition. Last evaluated: 2025-08-14. Review status: criteria provided, single submitter. Criteria: ACMG Guidelines, 2015. Collection method: clinical testing. Allele origin: germline.
Comment: The HSD17B3 c.35_36dupCA variant is predicted to result in a frameshift and premature protein termination (p.Gly13Glnfs*14). To our knowledge, this variant has not been reported in the literature or in a large population database (gnomAD), indicating this variant is rare. Frameshift variants in HSD17B3 are expected to be pathogenic. This variant is interpreted as likely pathogenic.

NM_000197.2(HSD17B3):c.35_36dup (p.Gly13fs)

Genes: HSD17B3 (hydroxysteroid 17-beta dehydrogenase 3; minus strand), SLC35D2-HSD17B3 (SLC35D2-HSD17B3 readthrough; minus strand). Cytogenetic location: 9q22.32.
Variant type: Microsatellite.
Coding change: c.35_36dup on transcript NM_000197.2 (MANE Select); coding-DNA positions 35 to 36, 2 bases duplicated (CA; older notation c.35_36dupCA).
Protein change: p.Gly13fs; shifts the reading frame from glycine 13.
Molecular consequence: frameshift variant. On other transcripts: non-coding transcript variant (1).
Genome position (GRCh38, 1-based): chr9:96,302,069-96,302,070, TG duplicated on the plus strand (CA on the coding strand, the reverse complement: HSD17B3 is on the minus strand); duplicating any 2 consecutive bases within chr9:96,302,069-96,302,072 gives the same sequence; the c. name uses the placement nearest the transcript's 3' end. VCF-style (leftmost placement, unchanged base first): chr9-96302068-C-CTG. GRCh37 (hg19) VCF-style: chr9-99064350-C-CTG.
Other names: short protein forms G13fs.
Identifiers: ClinVar variation 4992675 (VCV004992675.1).
Genomic context (GRCh38, chr9:96,302,068, plus strand): 5'-GTAAAACACATCTGGAGAATCTCACGCACTTCGCCAGGCAGGCCAGGCACACCAGCAGCC[C>CTG]TGTGAGGATGAAGAACTGTTCCAGGACGTCCCCCATGGCTGCACTCAACAGACTGTTTCA-3'